The following is an entry in ClinVar:

NM_006514.4(SCN10A):c.1733C>T (p.Ala578Val)

Gene: SCN10A (sodium voltage-gated channel alpha subunit 10; minus strand). Cytogenetic location: 3p22.2.
Variant type: single nucleotide variant.
Coding change: c.1733C>T on transcript NM_006514.4 (MANE Select); coding-DNA position 1733, C replaced by T.
Protein change: p.Ala578Val; replaces alanine 578 with valine.
Molecular consequence: missense variant. On other transcripts: intron variant (1).
Genome position (GRCh38, 1-based): chr3:38,752,241, G>A on the plus strand (C>T on the coding strand, the complement: SCN10A is on the minus strand). VCF-style: chr3-38752241-G-A. GRCh37 (hg19) VCF-style: chr3-38793732-G-A.
Other names: c.1733C>T (NM_006514.2); c.1733C>T, p.Ala578Val (NM_001293306.2); c.1462-2057C>T (NM_001293307.2); short protein forms A578V.
Identifiers: ClinVar variation 579447 (VCV000579447.8), dbSNP rs535115766, ClinGen allele CA72986331.

ClinVar aggregate classification (germline): Conflicting classifications of pathogenicity. Review status: criteria provided, conflicting classifications (1 of 4 stars). 2 submissions from 2 submitters: Uncertain significance (1); Likely benign (1). Last evaluated 2026-01-13.

Conditions:
Brugada syndrome. Also called: Sudden unexplained nocturnal death syndrome; Sudden unexpected nocturnal death syndrome; Sudden Unexplained Death Syndrome; Sudden Unexplained Nocturnal Death Syndrome (SUNDS). Identifiers: Orphanet 130, MedGen C1142166, MONDO:0015263.
Cardiovascular phenotype. Identifiers: MedGen CN230736.

gnomAD v4.1: 30 of 1,544,208 alleles (0.0019%); highest among the groups gnomAD compares: Non-Finnish European, 0.0024%; no homozygotes.

Submissions (2):

Ambry Genetics
Classification: Likely benign for Cardiovascular phenotype. Last evaluated: 2026-01-13. Review status: criteria provided, single submitter. Criteria: Ambry Variant Classification Scheme 2023. Collection method: clinical testing. Allele origin: germline.

Labcorp Genetics (formerly Invitae), Labcorp
Classification: Uncertain significance for Brugada syndrome. Last evaluated: 2022-04-24. Review status: criteria provided, single submitter. Criteria: Invitae Variant Classification Sherloc (09022015). Collection method: clinical testing. Allele origin: germline.
Comment: This sequence change replaces alanine, which is neutral and non-polar, with valine, which is neutral and non-polar, at codon 578 of the SCN10A protein (p.Ala578Val). This variant is present in population databases (rs535115766, gnomAD 0.007%). This variant has not been reported in the literature in individuals affected with SCN10A-related conditions. ClinVar contains an entry for this variant (Variation ID: 579447). Advanced modeling of protein sequence and biophysical properties (such as structural, functional, and spatial information, amino acid conservation, physicochemical variation, residue mobility, and thermodynamic stability) performed at Invitae indicates that this missense variant is not expected to disrupt SCN10A protein function. In summary, the available evidence is currently insufficient to determine the role of this variant in disease. Therefore, it has been classified as a Variant of Uncertain Significance.

Literature cited by the submitters: PubMed 28106320 (cited by Ambry Genetics); PubMed 36413997 (cited by Ambry Genetics).